The following is an entry in ClinVar:

NM_001101426.4(CRPPA):c.43G>T (p.Gly15Cys)

Genes: CRPPA (CDP-L-ribitol pyrophosphorylase A; minus strand), LOC129998005 (ATAC-STARR-seq lymphoblastoid silent region 17982; plus strand). Cytogenetic location: 7p21.2.
Variant type: single nucleotide variant.
Coding change: c.43G>T on transcript NM_001101426.4 (MANE Select); coding-DNA position 43, G replaced by T.
Protein change: p.Gly15Cys; replaces glycine 15 with cysteine.
Molecular consequence: missense variant. On other transcripts: non-coding transcript variant (1).
Genome position (GRCh38, 1-based): chr7:16,421,280, C>A on the plus strand (G>T on the coding strand, the complement: CRPPA is on the minus strand). VCF-style: chr7-16421280-C-A. GRCh37 (hg19) VCF-style: chr7-16460905-C-A.
Other names: c.43G>T, p.Gly15Cys (NM_001101417.4, NM_001368197.1); short protein forms G15C.
Identifiers: ClinVar variation 1045634 (VCV001045634.9), dbSNP rs1314652586, ClinGen allele CA367004503.
Genomic context (GRCh38, chr7:16,421,280, plus strand): 5'-CGCTCTGCAGGGAGGCGGAAGCCGTGTGGTCCGCGCCGCGCTGACCACTCAGGCAAGGAC[C>A]CGGCTCCGCCGGCCTGGCGCTGCCCGGCGGCCCGGCCTCCATGGCTGCGGGCGGAACGGC-3'
Protein context (NP_001094896.1, residues 5-25): PPGSARPAEP[Gly15Cys]PCLSGQRGAD

ClinVar aggregate classification (germline): Uncertain significance (1 of 4 stars; one submission).

Conditions:
Muscular dystrophy-dystroglycanopathy (congenital with brain and eye anomalies), type A, 7. Also called: WALKER-WARBURG SYNDROME OR MUSCLE-EYE-BRAIN DISEASE, ISPD-RELATED; Congenital muscular dystrophy-dystroglycanopathy with brain and eye anomalies, type A7. Identifiers: Orphanet 899, MedGen C3553330, MONDO:0013835, OMIM 614643.
Autosomal recessive limb-girdle muscular dystrophy type 2U. Also called: MUSCULAR DYSTROPHY, LIMB-GIRDLE, TYPE 2U; Muscular dystrophy-dystroglycanopathy (limb-girdle), type c, 7. Identifiers: Orphanet 352479, MedGen C5190987, MONDO:0014474, OMIM 616052.

Allele frequency attached by ClinVar (database versions not stated): TOPMed 0.00001.

Submission:

Labcorp Genetics (formerly Invitae), Labcorp
Classification: Uncertain significance for Muscular dystrophy-dystroglycanopathy (congenital with brain and eye anomalies), type A, 7; Autosomal recessive limb-girdle muscular dystrophy type 2U. Last evaluated: 2022-01-14. Review status: criteria provided, single submitter. Criteria: Invitae Variant Classification Sherloc (09022015). Collection method: clinical testing. Allele origin: germline.
Comment: This sequence change replaces glycine, which is neutral and non-polar, with cysteine, which is neutral and slightly polar, at codon 15 of the ISPD protein (p.Gly15Cys). This variant is not present in population databases (gnomAD no frequency). This variant has not been reported in the literature in individuals affected with ISPD-related conditions. ClinVar contains an entry for this variant (Variation ID: 1045634). Algorithms developed to predict the effect of missense changes on protein structure and function are either unavailable or do not agree on the potential impact of this missense change (SIFT: "Deleterious"; PolyPhen-2: "Probably Damaging"; Align-GVGD: "Class C0"). In summary, the available evidence is currently insufficient to determine the role of this variant in disease. Therefore, it has been classified as a Variant of Uncertain Significance.